The following is an entry in ClinVar:

NM_000074.3(CD40LG):c.287A>G (p.Lys96Arg)

Gene: CD40LG (CD40 ligand; plus strand). Cytogenetic location: Xq26.3.
Variant type: single nucleotide variant.
Coding change: c.287A>G on transcript NM_000074.3 (MANE Select); coding-DNA position 287, A replaced by G.
Protein change: p.Lys96Arg; replaces lysine 96 with arginine.
Molecular consequence: missense variant.
Genome position (GRCh38, 1-based): chrX:136,650,396, A>G. VCF-style: chrX-136650396-A-G. GRCh37 (hg19) VCF-style: chrX-135732555-A-G.
Other names: short protein forms K96R.
Identifiers: ClinVar variation 3644490 (VCV003644490.2).

ClinVar aggregate classification (germline): Uncertain significance (1 of 4 stars; one submission).

Conditions:
Hyper-IgM syndrome type 1. Also called: Hyper-IgM Immunodeficiency Syndrome, Type 1; CD40 Ligand Deficiency; X-linked hyper-IgM syndrome; Immunodeficiency, X-linked, with hyper-IgM. Identifiers: Orphanet 101088, MedGen C0398689, MONDO:0010626, OMIM 308230.

Submission:

Labcorp Genetics (formerly Invitae), Labcorp
Classification: Uncertain significance for Hyper-IgM syndrome type 1. Last evaluated: 2024-05-21. Review status: criteria provided, single submitter. Criteria: Invitae Variant Classification Sherloc (09022015). Collection method: clinical testing. Allele origin: germline.
Comment: This sequence change replaces lysine, which is basic and polar, with arginine, which is basic and polar, at codon 96 of the CD40LG protein (p.Lys96Arg). This variant is not present in population databases (gnomAD no frequency). This variant has not been reported in the literature in individuals affected with CD40LG-related conditions. An algorithm developed to predict the effect of missense changes on protein structure and function (PolyPhen-2) suggests that this variant is likely to be tolerated. In summary, the available evidence is currently insufficient to determine the role of this variant in disease. Therefore, it has been classified as a Variant of Uncertain Significance.